The following is an entry in ClinVar:

NM_001458.5(FLNC):c.3588C>T (p.Ala1196=)

Gene: FLNC (filamin C; plus strand). Cytogenetic location: 7q32.1.
Variant type: single nucleotide variant.
Coding change: c.3588C>T on transcript NM_001458.5 (MANE Select); coding-DNA position 3588, C replaced by T.
Protein change: p.Ala1196=; no amino-acid change (alanine 1196 retained).
Molecular consequence: synonymous variant.
Genome position (GRCh38, 1-based): chr7:128,845,053, C>T. VCF-style: chr7-128845053-C-T. GRCh37 (hg19) VCF-style: chr7-128485107-C-T.
Other names: c.3588C>T, p.Ala1196= (NM_001127487.2).
Identifiers: ClinVar variation 539503 (VCV000539503.18), dbSNP rs376078628, ClinGen allele CA4475073.

ClinVar aggregate classification (germline): Likely benign. Review status: criteria provided, multiple submitters, no conflicts (2 of 4 stars). 3 submissions from 3 submitters: Likely benign (3). Last evaluated 2026-08-01.

Conditions:
Cardiovascular phenotype. Identifiers: MedGen CN230736.
Distal myopathy with posterior leg and anterior hand involvement. Also called: WILLIAMS DISTAL MYOPATHY. Identifiers: Orphanet 63273, MedGen C3279722, MONDO:0013550, OMIM 614065.
Myofibrillar myopathy 5. Also called: Filaminopathy (type); FILAMINOPATHY, AUTOSOMAL DOMINANT. Identifiers: Orphanet 171445, MedGen C1836050, MONDO:0012289, OMIM 609524.
Hypertrophic cardiomyopathy 26. Also called: Cardiomyopathy, familial hypertrophic, 26. Identifiers: Orphanet 75249, MedGen C4310749, MONDO:0014883, OMIM 617047.

Allele frequency attached by ClinVar (database versions not stated): gnomAD exomes 0.00002 and 0.00005; gnomAD 0.00003 and 0.00004; ExAC 0.00005; TOPMed 0.00006; ESP Exome Variant Server 0.00023.
gnomAD v4.1: 36 of 1,613,700 alleles (0.0022%); highest among the groups gnomAD compares: Admixed American, 0.015%; no homozygotes.

Submissions (3):

CeGaT Center for Human Genetics Tuebingen
Classification: Likely benign. Last evaluated: 2026-08-01. Review status: criteria provided, single submitter. Criteria: CeGaT Center For Human Genetics Tuebingen Variant Classification Criteria Version 2. Collection method: clinical testing. Allele origin: germline. Affected: yes. Observed: 2 variant alleles.
Comment: FLNC: BP4, BP7

Labcorp Genetics (formerly Invitae), Labcorp
Classification: Likely benign for Distal myopathy with posterior leg and anterior hand involvement; Myofibrillar myopathy 5; Hypertrophic cardiomyopathy 26. Last evaluated: 2025-11-07. Review status: criteria provided, single submitter. Criteria: Invitae Variant Classification Sherloc (09022015). Collection method: clinical testing. Allele origin: germline.

Ambry Genetics
Classification: Likely benign for Cardiovascular phenotype. Last evaluated: 2020-10-29. Review status: criteria provided, single submitter. Criteria: Ambry Variant Classification Scheme 2023. Collection method: clinical testing. Allele origin: germline.